The following is an entry in ClinVar:

NM_194454.3(KRIT1):c.2165T>A (p.Leu722Ter)

Gene: KRIT1 (KRIT1 ankyrin repeat containing; minus strand). Cytogenetic location: 7q21.2.
Variant type: single nucleotide variant.
Coding change: c.2165T>A on transcript NM_194454.3 (MANE Select); coding-DNA position 2165, T replaced by A.
Protein change: p.Leu722Ter; replaces leucine 722 with a stop codon.
Molecular consequence: nonsense.
Genome position (GRCh38, 1-based): chr7:92,200,782, A>T on the plus strand (T>A on the coding strand, the complement: KRIT1 is on the minus strand). VCF-style: chr7-92200782-A-T. GRCh37 (hg19) VCF-style: chr7-91830096-A-T.
Other names: c.2021T>A, p.Leu674Ter (NM_001013406.2, NM_001350669.1, NM_001350670.1); c.1451T>A, p.Leu484Ter (NM_001350671.1); c.2165T>A, p.Leu722Ter (NM_001350672.1, NM_001350673.1, NM_001350674.1 and 26 more transcripts); short protein forms L674*, L722*, L484*.
Identifiers: ClinVar variation 1423575 (VCV001423575.8), dbSNP rs2131078017, ClinGen allele CA368166100.

ClinVar aggregate classification (germline): Uncertain significance (1 of 4 stars; one submission).

Conditions:
Cerebral cavernous malformation (CCM). Also called: Cavernous Hemangioma of Brain; CAVERNOUS ANGIOMA, FAMILIAL; CAVERNOUS ANGIOMATOUS MALFORMATIONS; CEREBRAL CAPILLARY MALFORMATIONS; Cerebral cavernous hemangioma (type); Cerebral cavernous malformations. Identifiers: Orphanet 221061, MedGen C2919945, MONDO:0000820, OMIM 116860, HP:0033522.

Submission:

Labcorp Genetics (formerly Invitae), Labcorp
Classification: Uncertain significance for Cerebral cavernous malformation. Last evaluated: 2020-11-15. Review status: criteria provided, single submitter. Criteria: Invitae Variant Classification Sherloc (09022015). Collection method: clinical testing. Allele origin: germline.
Comment: This sequence change creates a premature translational stop signal (p.Leu722*) in the KRIT1 gene. While this is not anticipated to result in nonsense mediated decay, it is expected to disrupt the last 15 amino acid(s) of the KRIT1 protein. This variant is not present in population databases (ExAC no frequency). This variant has been observed in individual(s) with cerebral cavernous malformations (Invitae). In summary, the available evidence is currently insufficient to determine the role of this variant in disease. Therefore, it has been classified as a Variant of Uncertain Significance.